The following is an entry in ClinVar:

NM_006949.4(STXBP2):c.1156A>C (p.Met386Leu)

Gene: STXBP2 (syntaxin binding protein 2; plus strand). Cytogenetic location: 19p13.2.
Variant type: single nucleotide variant.
Coding change: c.1156A>C on transcript NM_006949.4 (MANE Select); coding-DNA position 1156, A replaced by C.
Protein change: p.Met386Leu; replaces methionine 386 with leucine.
Molecular consequence: missense variant. On other transcripts: non-coding transcript variant (1).
Genome position (GRCh38, 1-based): chr19:7,644,662, A>C. VCF-style: chr19-7644662-A-C. GRCh37 (hg19) VCF-style: chr19-7709548-A-C.
Other names: c.1147A>C, p.Met383Leu (NM_001127396.3); c.1189A>C, p.Met397Leu (NM_001272034.2); short protein forms M386L, M383L, M397L.
Identifiers: ClinVar variation 858477 (VCV000858477.9), dbSNP rs535236814, ClinGen allele CA403161087.

ClinVar aggregate classification (germline): Uncertain significance (1 of 4 stars; one submission).

Conditions:
Familial hemophagocytic lymphohistiocytosis 5. Also called: STXBP2-Related Familial Hemophagocytic Lymphohistiocytosis (STXBP2-fHLH). Identifiers: Orphanet 540, MedGen C2751293, MONDO:0013135, OMIM 613101.

Submission:

Labcorp Genetics (formerly Invitae), Labcorp
Classification: Uncertain significance for Familial hemophagocytic lymphohistiocytosis 5. Last evaluated: 2024-11-05. Review status: criteria provided, single submitter. Criteria: Invitae Variant Classification Sherloc (09022015). Collection method: clinical testing. Allele origin: germline.
Comment: This sequence change replaces methionine, which is neutral and non-polar, with leucine, which is neutral and non-polar, at codon 386 of the STXBP2 protein (p.Met386Leu). This variant is not present in population databases (gnomAD no frequency). This variant has not been reported in the literature in individuals affected with STXBP2-related conditions. ClinVar contains an entry for this variant (Variation ID: 858477). Invitae Evidence Modeling of protein sequence and biophysical properties (such as structural, functional, and spatial information, amino acid conservation, physicochemical variation, residue mobility, and thermodynamic stability) indicates that this missense variant is not expected to disrupt STXBP2 protein function with a negative predictive value of 95%. In summary, the available evidence is currently insufficient to determine the role of this variant in disease. Therefore, it has been classified as a Variant of Uncertain Significance.